The following is an entry in ClinVar:

NC_000017.10:g.(?_76109229)_(76115493_?)dup

Gene: TMC6 (transmembrane channel like 6; minus strand). Cytogenetic location: 17q25.3.
Variant type: Duplication.
Identifiers: ClinVar variation 1422444 (VCV001422444.6).

ClinVar aggregate classification (germline): Uncertain significance (1 of 4 stars; one submission).

Conditions:
Epidermodysplasia verruciformis. Identifiers: Orphanet 302, MedGen C0014522, MONDO:0009176.

Submission:

Labcorp Genetics (formerly Invitae), Labcorp
Classification: Uncertain significance for Epidermodysplasia verruciformis. Last evaluated: 2022-07-19. Review status: criteria provided, single submitter. Criteria: Invitae Variant Classification Sherloc (09022015). Collection method: clinical testing. Allele origin: germline.
Comment: This variant results in a copy number gain of the genomic region encompassing exon(s) 14-20 of the TMC6 gene. This region includes the termination codon of the gene. This copy number gain extends beyond the assayed region for this gene and therefore may encompass additional genes. As the precise location of this event is unknown, it may be in tandem or it may be located elsewhere in the genome. In summary, the available evidence is currently insufficient to determine the role of this variant in disease. Therefore, it has been classified as a Variant of Uncertain Significance. Experimental studies and prediction algorithms are not available or were not evaluated, and the functional significance of this variant is currently unknown. This variant has not been reported in the literature in individuals affected with TMC6-related conditions.